The following is an entry in ClinVar:

NM_004544.4(NDUFA10):c.109C>T (p.Arg37Cys)

Gene: NDUFA10 (NADH:ubiquinone oxidoreductase subunit A10; minus strand). Cytogenetic location: 2q37.3.
Variant type: single nucleotide variant.
Coding change: c.109C>T on transcript NM_004544.4 (MANE Select); coding-DNA position 109, C replaced by T.
Protein change: p.Arg37Cys; replaces arginine 37 with cysteine.
Molecular consequence: missense variant. On other transcripts: non-coding transcript variant (3).
Genome position (GRCh38, 1-based): chr2:240,022,307, G>A on the plus strand (C>T on the coding strand, the complement: NDUFA10 is on the minus strand). VCF-style: chr2-240022307-G-A. GRCh37 (hg19) VCF-style: chr2-240961724-G-A.
Other names: c.109C>T, p.Arg37Cys (NM_001322019.2, NM_001322020.2, NM_001410987.1); short protein forms R37C.
Identifiers: ClinVar variation 3186938 (VCV003186938.2), dbSNP rs771275102, ClinGen allele CA2201145.

ClinVar aggregate classification (germline): Uncertain significance. Review status: criteria provided, multiple submitters, no conflicts (2 of 4 stars). 2 submissions from 2 submitters: Uncertain significance (2). Last evaluated 2025-03-26.

Conditions:
Inborn genetic diseases. Identifiers: MedGen C0950123, MeSH D030342.

Allele frequency attached by ClinVar (database versions not stated): gnomAD exomes 0.00002; ExAC 0.00003; gnomAD 0.00003; TOPMed 0.00003.
gnomAD v4.1: 39 of 1,613,762 alleles (0.0024%); highest among the groups gnomAD compares: South Asian, 0.0077%; no homozygotes.

Submissions (2):

GeneDx
Classification: Uncertain significance. Last evaluated: 2025-03-26. Review status: criteria provided, single submitter. Criteria: GeneDx Variant Classification Process June 2021. Collection method: clinical testing. Allele origin: germline. Affected: yes.
Comment: Not observed at significant frequency in large population cohorts (gnomAD); In silico analysis supports that this missense variant has a deleterious effect on protein structure/function; Has not been previously published as pathogenic or benign to our knowledge

Ambry Genetics
Classification: Uncertain significance for Inborn genetic diseases. Last evaluated: 2024-01-23. Review status: criteria provided, single submitter. Criteria: Ambry Variant Classification Scheme 2023. Collection method: clinical testing. Allele origin: germline.